The following is an entry in ClinVar:

NM_015967.8(PTPN22):c.1108C>A (p.His370Asn)

Genes: AP4B1-AS1 (AP4B1 antisense RNA 1; plus strand), PTPN22 (protein tyrosine phosphatase non-receptor type 22; minus strand). Cytogenetic location: 1p13.2.
Variant type: single nucleotide variant.
Coding change: c.1108C>A on transcript NM_015967.8 (MANE Select); coding-DNA position 1108, C replaced by A.
Protein change: p.His370Asn; replaces histidine 370 with asparagine.
Molecular consequence: missense variant.
Genome position (GRCh38, 1-based): chr1:113,838,292, G>T on the plus strand (C>A on the coding strand, the complement: PTPN22 is on the minus strand). VCF-style: chr1-113838292-G-T. GRCh37 (hg19) VCF-style: chr1-114380914-G-T.
Other names: c.1108C>A (NM_015967.7); c.1108C>A, p.His370Asn (NM_001193431.3); c.1036C>A, p.His346Asn (NM_001308297.2); c.943C>A, p.His315Asn (NM_012411.6); short protein forms H370N, H315N, H346N.
Identifiers: ClinVar variation 769240 (VCV000769240.11), dbSNP rs72650671, ClinGen allele CA1015086.

ClinVar aggregate classification (germline): Conflicting classifications of pathogenicity. Review status: criteria provided, conflicting classifications (1 of 4 stars). 6 submissions from 6 submitters: Uncertain significance (1); Likely benign (2). 3 of the submissions do not count toward it. Last evaluated 2023-12-20.

Conditions:
PTPN22-related disorder. Also called: PTPN22-related condition.

Allele frequency attached by ClinVar (database versions not stated): 1000 Genomes Project 0.00140; 1000 Genomes Project 30x 0.00141; TOPMed 0.00186; gnomAD 0.00208 and 0.00211; gnomAD exomes 0.00220; ExAC 0.00228; ESP Exome Variant Server 0.00246.
gnomAD v4.1: 3,965 of 1,613,738 alleles (0.25%); highest among the groups gnomAD compares: South Asian, 0.47%; 9 homozygotes.

Submissions (6):

Revvity Omics, Revvity
Classification: Uncertain significance. Last evaluated: 2023-12-20. Review status: criteria provided, single submitter. Criteria: ACMG Guidelines, 2015. Collection method: clinical testing. Allele origin: germline.

Labcorp Genetics (formerly Invitae), Labcorp
Classification: Likely benign. Last evaluated: 2019-12-31. Review status: criteria provided, single submitter. Criteria: Invitae Variant Classification Sherloc (09022015). Collection method: clinical testing. Allele origin: germline.

Breakthrough Genomics
Classification: Likely benign. Review status: criteria provided, single submitter. Criteria: ACMG Guidelines, 2015. Collection method: not provided. Allele origin: germline. Inheritance: Autosomal recessive inheritance. Affected: yes.

PreventionGenetics, part of Exact Sciences
Classification: Likely benign for PTPN22-related condition. Last evaluated: 2024-08-02. Review status: no assertion criteria provided. Collection method: clinical testing. Allele origin: germline. Not counted in ClinVar's aggregate classification.
Comment: This variant is classified as likely benign based on ACMG/AMP sequence variant interpretation guidelines (Richards et al. 2015 PMID: 25741868, with internal and published modifications).

Diagnostic Laboratory, Department of Genetics, University Medical Center Groningen
Classification: Likely benign. Review status: no assertion criteria provided. Collection method: clinical testing. Allele origin: germline. Affected: yes. Study: VKGL Data-share Consensus. Not counted in ClinVar's aggregate classification.

Genome Diagnostics Laboratory, University Medical Center Utrecht
Classification: Likely benign. Review status: no assertion criteria provided. Collection method: clinical testing. Allele origin: germline. Affected: yes. Study: VKGL Data-share Consensus. Not counted in ClinVar's aggregate classification.